The following is an entry in ClinVar:

ClinVar aggregate classification (germline): Likely pathogenic. Review status: criteria provided, multiple submitters, no conflicts (2 of 4 stars). 3 submissions from 3 submitters: Likely pathogenic (3). Last evaluated 2024-04-24.

Conditions:
Maple syrup urine disease (MSUD). Identifiers: Orphanet 511, MedGen C0024776, MeSH D008375, MONDO:0009563. Disease mechanism: loss of function.
Maple syrup urine disease type 1B (MSUD1B). Also called: MSUD type IB; MSUD type 3 (formerly); MSUD due to deficiency of e1-beta subunit of branched-chain alpha-keto acid dehydrogenase complex. Identifiers: MedGen C2930990, MONDO:0023692, OMIM 620698.
BCKDHB-related disorder. Also called: BCKDHB-related condition.

Submissions (3):

Natera, Inc.
Classification: Likely pathogenic for Maple syrup urine disease type 1B. Last evaluated: 2024-04-24. Review status: criteria provided, single submitter. Criteria: Natera Variant Classification Schema (03/2026). Collection method: clinical testing. Allele origin: germline.
Comment: The c.612dupT variant in BCKDHB is a frameshift variant predicted to shift the reading frame beginning at codon 205 and leads to a stop codon 28 codons downstream. This variant is expected to result in nonsense mediated decay, truncation, or a dysfunctional protein product. This variant is rare in the general population with a frequency below the threshold expected for the associated phenotype(s). Given the available evidence, this variant is classified as Likely Pathogenic.

Women's Health and Genetics/Laboratory Corporation of America, LabCorp
Classification: Likely pathogenic for Maple syrup urine disease. Last evaluated: 2023-03-21. Review status: criteria provided, single submitter. Criteria: LabCorp Variant Classification Summary - May 2015. Collection method: clinical testing. Allele origin: germline.
Comment: Variant summary: BCKDHB c.612dupT (p.Ala205CysfsX28) results in a premature termination codon, predicted to cause a truncation of the encoded protein or absence of the protein due to nonsense mediated decay, which are commonly known mechanisms for disease. Truncations downstream of this position have been classified as pathogenic by our laboratory. The variant was absent in 251322 control chromosomes. To our knowledge, no occurrence of c.612dupT in individuals affected with Maple Syrup Urine Disease and no experimental evidence demonstrating its impact on protein function have been reported. No clinical diagnostic laboratories have submitted clinical-significance assessments for this variant to ClinVar after 2014. Based on the evidence outlined above, the variant was classified as likely pathogenic.

Blueprint Genetics
Classification: Likely pathogenic for BCKDHB-related disorders. Last evaluated: 2022-11-11. Review status: criteria provided, single submitter. Criteria: ACMG Guidelines, 2015. Collection method: clinical testing. Allele origin: germline. Affected: yes. Observed: 1 variant allele.

NM_183050.4(BCKDHB):c.612dup (p.Ala205fs)

Gene: BCKDHB (branched chain keto acid dehydrogenase E1 subunit beta; plus strand). Cytogenetic location: 6q14.1.
Variant type: Duplication.
Coding change: c.612dup on transcript NM_183050.4 (MANE Select); coding-DNA position 612, one base duplicated (T; older notation c.612dupT).
Protein change: p.Ala205fs; shifts the reading frame from alanine 205.
Molecular consequence: frameshift variant. On other transcripts: non-coding transcript variant (1).
Genome position (GRCh38, 1-based): chr6:80,169,009, T duplicated; the last of 6 consecutive T bases (chr6:80,169,004-80,169,009); duplicating any one gives the same sequence. VCF-style (leftmost placement, unchanged base first): chr6-80169003-A-AT. GRCh37 (hg19) VCF-style: chr6-80878720-A-AT.
Other names: c.612dup, p.Ala205fs (NM_000056.5); c.402dup, p.Ala135fs (NM_001318975.1); short protein forms A135fs, A205fs.
Identifiers: ClinVar variation 2501017 (VCV002501017.3), dbSNP rs1210649507, ClinGen allele CA828548195.
Genomic context (GRCh38, chr6:80,169,003, plus strand): 5'-CCGGTCCCCTTGGGGCTGTGTTGGTCATGGGGCTCTCTATCATTCTCAGAGTCCTGAAGC[A>AT]TTTTTTGCCCATTGCCCAGGAATCAAGGTATGTTCATTTATGTACTTTATTTGATTTCTA-3'